The following is an entry in ClinVar:

NM_000500.9(CYP21A2):c.-4C>T

Genes: CYP21A2 (cytochrome P450 family 21 subfamily A member 2; plus strand), LOC106780800 (CYP21A2 recombination region; plus strand), LOC110631417 (CYP21A2 5' regulatory region; plus strand). Cytogenetic location: 6p21.33.
Variant type: single nucleotide variant.
Coding change: c.-4C>T on transcript NM_000500.9 (MANE Select); 4 bases upstream of the start codon, C replaced by T.
Molecular consequence: 5 prime UTR variant.
Genome position (GRCh38, 1-based): chr6:32,038,419, C>T. VCF-style: chr6-32038419-C-T. GRCh37 (hg19) VCF-style: chr6-32006196-C-T.
Other names: c.-4C>T (NM_001128590.4); c.-428C>T (NM_001368143.2); c.-338C>T (NM_001368144.2).
Identifiers: ClinVar variation 256284 (VCV000256284.6), dbSNP rs6470, ClinGen allele CA3732258.

ClinVar aggregate classification (germline): Benign/Likely benign. Review status: criteria provided, multiple submitters, no conflicts (2 of 4 stars). 4 submissions from 4 submitters: Benign (3); Likely benign (1). Last evaluated 2025-10-27.

Allele frequency attached by ClinVar (database versions not stated): ExAC 0.00535; gnomAD exomes 0.01227; 1000 Genomes Project 0.02236; 1000 Genomes Project 30x 0.03045; gnomAD 0.03563 and 0.03566.

Submissions (4):

Athena Diagnostics
Classification: Benign. Last evaluated: 2025-10-27. Review status: criteria provided, single submitter. Criteria: Athena Diagnostics Criteria. Collection method: clinical testing. Allele origin: unknown.
Comment: The frequency of this variant in the general population is higher than would generally be expected for pathogenic variants in this gene. This nucleotide position exhibits low evolutionary conservation. This variant has been seen where an alternate explanation for disease was also identified. Assessment of experimental evidence regarding the effect of this variant on protein function suggests it has no effect relevant to disease.

Blueprint Genetics
Classification: Likely benign. Last evaluated: 2024-11-25. Review status: criteria provided, single submitter. Criteria: ACMG Guidelines, 2015. Collection method: clinical testing. Allele origin: germline.

Quest Diagnostics Nichols Institute San Juan Capistrano
Classification: Benign. Last evaluated: 2021-10-08. Review status: criteria provided, single submitter. Criteria: Quest Diagnostics criteria. Collection method: clinical testing. Allele origin: unknown.

PreventionGenetics, part of Exact Sciences
Classification: Benign. Review status: criteria provided, single submitter. Criteria: ACMG Guidelines, 2015. Collection method: clinical testing. Allele origin: germline.

Literature cited by the submitters: PubMed 19226270 (cited by Athena Diagnostics); PubMed 12788880 (cited by Athena Diagnostics and Quest Diagnostics Nichols Institute San Juan Capistrano); PubMed 12855227 (cited by Athena Diagnostics and Quest Diagnostics Nichols Institute San Juan Capistrano); PubMed 1496017 (cited by Athena Diagnostics and Quest Diagnostics Nichols Institute San Juan Capistrano); PubMed 15110320 (cited by Athena Diagnostics and Quest Diagnostics Nichols Institute San Juan Capistrano); PubMed 15670187 (cited by Athena Diagnostics and Quest Diagnostics Nichols Institute San Juan Capistrano); PubMed 19624807 (cited by Athena Diagnostics and Quest Diagnostics Nichols Institute San Juan Capistrano); PubMed 8989258 (cited by Athena Diagnostics and Quest Diagnostics Nichols Institute San Juan Capistrano); PubMed 9132494 (cited by Athena Diagnostics and Quest Diagnostics Nichols Institute San Juan Capistrano); PubMed 20587039 (cited by Athena Diagnostics); PubMed 25227725 (cited by Athena Diagnostics); PubMed 28649552 (cited by Athena Diagnostics); PubMed 36866166 (cited by Athena Diagnostics); PubMed 40640193 (cited by Athena Diagnostics); PubMed 18702679 (cited by Athena Diagnostics and Quest Diagnostics Nichols Institute San Juan Capistrano); PubMed 24081139 (cited by Athena Diagnostics and Quest Diagnostics Nichols Institute San Juan Capistrano); PubMed 20970527 (cited by Athena Diagnostics and Quest Diagnostics Nichols Institute San Juan Capistrano); PubMed 26233337 (cited by Athena Diagnostics and Quest Diagnostics Nichols Institute San Juan Capistrano).